The following is an entry in ClinVar:

ClinVar aggregate classification (germline): Uncertain significance. Review status: criteria provided, multiple submitters, no conflicts (2 of 4 stars). 3 submissions from 3 submitters: Uncertain significance (2). 1 of the submissions does not count toward it. Last evaluated 2024-10-08.

Conditions:
MTRFR-related disorder. Also called: MTRFR-related condition.
Spastic paraplegia. Identifiers: MedGen C0037772, HP:0001258.
Combined oxidative phosphorylation defect type 7. Identifiers: Orphanet 254930, MedGen C3150801, MONDO:0013306, OMIM 613559.
Hereditary spastic paraplegia. Also called: Familial spastic paraparesis. Identifiers: Orphanet 685, MedGen C0037773, MONDO:0019064. Disease mechanism: loss of function.

Allele frequency attached by ClinVar (database versions not stated): ExAC 0.00001; gnomAD 0.00001; gnomAD exomes 0.00001.
gnomAD v4.1: 6 of 1,613,428 alleles (0.00037%); highest among the groups gnomAD compares: East Asian, 0.0022%; no homozygotes.

Submissions (3):

Labcorp Genetics (formerly Invitae), Labcorp
Classification: Uncertain significance for Combined oxidative phosphorylation defect type 7; Spastic paraplegia. Last evaluated: 2024-10-08. Review status: criteria provided, single submitter. Criteria: Invitae Variant Classification Sherloc (09022015). Collection method: clinical testing. Allele origin: germline.
Comment: This sequence change replaces alanine, which is neutral and non-polar, with threonine, which is neutral and polar, at codon 145 of the C12orf65 protein (p.Ala145Thr). The frequency data for this variant in the population databases is considered unreliable, as metrics indicate poor data quality at this position in the gnomAD database. This variant has not been reported in the literature in individuals affected with C12orf65-related conditions. ClinVar contains an entry for this variant (Variation ID: 1344258). An algorithm developed to predict the effect of missense changes on protein structure and function outputs the following: PolyPhen-2: "Not Available". The threonine amino acid residue is found in multiple mammalian species, which suggests that this missense change does not adversely affect protein function. In summary, the available evidence is currently insufficient to determine the role of this variant in disease. Therefore, it has been classified as a Variant of Uncertain Significance.

Genome Diagnostics Laboratory, The Hospital for Sick Children
Classification: Uncertain significance for Hereditary spastic paraplegia. Last evaluated: 2017-02-17. Review status: criteria provided, single submitter. Criteria: ACMG Guidelines, 2015. Collection method: clinical testing. Allele origin: germline. Affected: yes.

PreventionGenetics, part of Exact Sciences
Classification: Uncertain significance for MTRFR-related condition. Last evaluated: 2023-12-19. Review status: no assertion criteria provided. Collection method: clinical testing. Allele origin: germline. Not counted in ClinVar's aggregate classification.
Comment: The MTRFR c.433G>A variant is predicted to result in the amino acid substitution p.Ala145Thr. To our knowledge, this variant has not been reported in the literature. This variant is reported in 0.0018% of alleles in individuals of European (Non-Finnish) descent in gnomAD. At this time, the clinical significance of this variant is uncertain due to the absence of conclusive functional and genetic evidence.

NM_152269.5(MTRFR):c.433G>A (p.Ala145Thr)

Gene: MTRFR (mitochondrial translation release factor in rescue; plus strand). Cytogenetic location: 12q24.31.
Variant type: single nucleotide variant.
Coding change: c.433G>A on transcript NM_152269.5 (MANE Select); coding-DNA position 433, G replaced by A.
Protein change: p.Ala145Thr; replaces alanine 145 with threonine.
Molecular consequence: missense variant.
Genome position (GRCh38, 1-based): chr12:123,256,963, G>A. VCF-style: chr12-123256963-G-A. GRCh37 (hg19) VCF-style: chr12-123741510-G-A.
Other names: c.433G>A, p.Ala145Thr (NM_001143905.2, NM_001194995.1); short protein forms A145T.
Identifiers: ClinVar variation 1344258 (VCV001344258.11), dbSNP rs749208492, ClinGen allele CA6856602.